The following is an entry in ClinVar:

NM_015627.3(LDLRAP1):c.485C>T (p.Ala162Val)

Gene: LDLRAP1 (low density lipoprotein receptor adaptor protein 1; plus strand). Cytogenetic location: 1p36.11.
Variant type: single nucleotide variant.
Coding change: c.485C>T on transcript NM_015627.3 (MANE Select); coding-DNA position 485, C replaced by T.
Protein change: p.Ala162Val; replaces alanine 162 with valine.
Molecular consequence: missense variant.
Genome position (GRCh38, 1-based): chr1:25,562,669, C>T. VCF-style: chr1-25562669-C-T. GRCh37 (hg19) VCF-style: chr1-25889160-C-T.
Other names: short protein forms A162V.
Identifiers: ClinVar variation 4046777 (VCV004046777.1).
Genomic context (GRCh38, chr1:25,562,669, plus strand): 5'-CTGCACCCCTCCCCATCCCCACTTCCTGTTTTCAGGCACAGGCTGTTACCCTCACCGTAG[C>T]CCAGGCCTTCAAAGTCGCCTTTGAGTTTTGGCAGGTGTCCAAGGAAGGTGAGACTTTGCA-3'
Protein context (NP_056442.2, residues 152-172): KMAQAVTLTV[Ala162Val]QAFKVAFEFW

ClinVar aggregate classification (germline): Uncertain significance (1 of 4 stars; one submission).

Conditions:
Cardiovascular phenotype. Identifiers: MedGen CN230736.

Submission:

Ambry Genetics
Classification: Uncertain significance for Cardiovascular phenotype. Last evaluated: 2025-05-27. Review status: criteria provided, single submitter. Criteria: Ambry Variant Classification Scheme 2023. Collection method: clinical testing. Allele origin: germline.
Comment: The p.A162V variant (also known as c.485C>T), located in coding exon 5 of the LDLRAP1 gene, results from a C to T substitution at nucleotide position 485. The alanine at codon 162 is replaced by valine, an amino acid with similar properties. This amino acid position is conserved. In addition, this alteration is predicted to be deleterious by in silico analysis. Based on the available evidence, the clinical significance of this variant remains unclear.